The following is an entry in ClinVar:

ClinVar aggregate classification (germline): Uncertain significance (1 of 4 stars; one submission).

Conditions:
Koolen-de Vries syndrome (KDVS). Identifiers: Orphanet 96169, MedGen C1864871, MONDO:0012496, OMIM 610443.

Allele frequency attached by ClinVar (database versions not stated): gnomAD exomes below 0.00001.
gnomAD v4.1: 2 of 1,614,188 alleles (0.00012%); highest among the groups gnomAD compares: Non-Finnish European, 0.00017%; no homozygotes.

Submission:

Labcorp Genetics (formerly Invitae), Labcorp
Classification: Uncertain significance for Koolen-de Vries syndrome. Last evaluated: 2024-10-26. Review status: criteria provided, single submitter. Criteria: Invitae Variant Classification Sherloc (09022015). Collection method: clinical testing. Allele origin: germline.
Comment: This sequence change replaces aspartic acid, which is acidic and polar, with asparagine, which is neutral and polar, at codon 894 of the KANSL1 protein (p.Asp894Asn). This variant is not present in population databases (gnomAD no frequency). This variant has not been reported in the literature in individuals affected with KANSL1-related conditions. ClinVar contains an entry for this variant (Variation ID: 2116312). Invitae Evidence Modeling of protein sequence and biophysical properties (such as structural, functional, and spatial information, amino acid conservation, physicochemical variation, residue mobility, and thermodynamic stability) indicates that this missense variant is not expected to disrupt KANSL1 protein function with a negative predictive value of 80%. In summary, the available evidence is currently insufficient to determine the role of this variant in disease. Therefore, it has been classified as a Variant of Uncertain Significance.

NM_015443.4(KANSL1):c.2680G>A (p.Asp894Asn)

Gene: KANSL1 (KAT8 regulatory NSL complex subunit 1). Cytogenetic location: 17q21.31.
Variant type: single nucleotide variant.
Coding change: c.2680G>A on transcript NM_015443.4 (MANE Select); coding-DNA position 2680, G replaced by A.
Protein change: p.Asp894Asn; replaces aspartic acid 894 with asparagine.
Molecular consequence: missense variant.
Genome position (GRCh38, 1-based): chr17:46,033,447, C>T on the plus strand (G>A on the coding strand, the complement: KANSL1 is on the minus strand). VCF-style: chr17-46033447-C-T. GRCh37 (hg19) VCF-style: chr17-44110813-C-T.
Other names: c.2575G>A, p.Asp859Asn (NM_001405861.1, NM_001405881.1); c.2680G>A, p.Asp894Asn (NM_001405872.1, NM_001405873.1, NM_001405874.1 and 4 more transcripts); c.2491G>A, p.Asp831Asn (NM_001405875.1, NM_001405876.1, NM_001405877.1 and 1 more transcripts); c.2488G>A, p.Asp830Asn (NM_001405879.1, NM_001405880.1); c.2677G>A, p.Asp893Asn (NM_001193465.2, NM_001405856.1, NM_001405857.1 and 1 more transcripts); c.2578G>A, p.Asp860Asn (NM_001405859.1, NM_001405860.1); c.1414G>A, p.Asp472Asn (NM_001405882.1); c.1411G>A, p.Asp471Asn (NM_001405883.1); and 2 more; short protein forms D831N, D859N, D893N, D409N, D472N, D894N, D471N, D860N.
Identifiers: ClinVar variation 2116312 (VCV002116312.4), dbSNP rs2510394212, ClinGen allele CA399988705.